The following is an entry in ClinVar:

ClinVar aggregate classification (germline): Uncertain significance. Review status: criteria provided, multiple submitters, no conflicts (2 of 4 stars). 4 submissions from 4 submitters: Uncertain significance (4). Last evaluated 2025-11-05.

Conditions:
Hereditary cancer-predisposing syndrome. Also called: Neoplastic Syndromes, Hereditary; Hereditary neoplastic syndrome; Hereditary Cancer Syndrome; Tumor predisposition. Identifiers: Orphanet 140162, MedGen C0027672, MeSH D009386, MONDO:0015356.
Fanconi anemia complementation group J. Also called: BRIP1-Related Fanconi Anemia. Identifiers: Orphanet 84, MedGen C1836860, MONDO:0012187, OMIM 609054.
Familial cancer of breast. Also called: hereditary breast carcinoma; Hereditary breast cancer; BREAST CANCER, FAMILIAL. Identifiers: Orphanet 227535, MedGen C0346153, MONDO:0016419, OMIM 114480. Disease mechanism: loss of function.

Allele frequency attached by ClinVar (database versions not stated): TOPMed 0.00001; gnomAD 0.00002.
gnomAD v4.1: 3 of 1,613,752 alleles (0.00019%); highest among the groups gnomAD compares: African/African-American, 0.004%; no homozygotes.

Submissions (4):

Labcorp Genetics (formerly Invitae), Labcorp
Classification: Uncertain significance for Familial cancer of breast; Fanconi anemia complementation group J. Last evaluated: 2025-11-05. Review status: criteria provided, single submitter. Criteria: Invitae Variant Classification Sherloc (09022015). Collection method: clinical testing. Allele origin: germline.
Comment: This sequence change replaces glutamic acid, which is acidic and polar, with lysine, which is basic and polar, at codon 287 of the BRIP1 protein (p.Glu287Lys). This variant is not present in population databases (gnomAD no frequency). This variant has not been reported in the literature in individuals affected with BRIP1-related conditions. ClinVar contains an entry for this variant (Variation ID: 655324). Invitae Evidence Modeling of protein sequence and biophysical properties (such as structural, functional, and spatial information, amino acid conservation, physicochemical variation, residue mobility, and thermodynamic stability) indicates that this missense variant is not expected to disrupt BRIP1 protein function with a negative predictive value of 95%. In summary, the available evidence is currently insufficient to determine the role of this variant in disease. Therefore, it has been classified as a Variant of Uncertain Significance.

Ambry Genetics
Classification: Uncertain significance for Hereditary cancer-predisposing syndrome. Last evaluated: 2025-10-14. Review status: criteria provided, single submitter. Criteria: Ambry Variant Classification Scheme 2023. Collection method: clinical testing. Allele origin: germline.
Comment: The p.E287K variant (also known as c.859G>A), located in coding exon 6 of the BRIP1 gene, results from a G to A substitution at nucleotide position 859. The glutamic acid at codon 287 is replaced by lysine, an amino acid with similar properties. This amino acid position is not well conserved in available vertebrate species. In addition, this alteration is predicted to be tolerated by in silico analysis. Since supporting evidence is limited at this time, the clinical significance of this alteration remains unclear.

Color Diagnostics, LLC DBA Color Health
Classification: Uncertain significance for Hereditary cancer-predisposing syndrome. Last evaluated: 2025-09-12. Review status: criteria provided, single submitter. Criteria: ACMG Guidelines, 2015. Collection method: clinical testing. Allele origin: germline.
Comment: This missense variant replaces glutamic acid with lysine at codon 287 of the BRIP1 protein. Computational prediction suggests that this variant may not impact protein structure and function. To our knowledge, functional studies have not been reported for this variant. This variant has been reported in an individual affected with prostate cancer (PMID: 31214711). This variant has not been identified in the general population by the Genome Aggregation Database (gnomAD). The available evidence is insufficient to determine the role of this variant in disease conclusively. Therefore, this variant is classified as a Variant of Uncertain Significance.

GeneDx
Classification: Uncertain significance. Last evaluated: 2022-10-28. Review status: criteria provided, single submitter. Criteria: GeneDx Variant Classification Process June 2021. Collection method: clinical testing. Allele origin: germline. Affected: yes.
Comment: Not observed at significant frequency in large population cohorts (gnomAD); In silico analysis supports that this missense variant does not alter protein structure/function; Has not been previously published as pathogenic or benign to our knowledge

Literature cited by the submitters: PubMed 31214711 (cited by Color Diagnostics, LLC DBA Color Health).

NM_032043.3(BRIP1):c.859G>A (p.Glu287Lys)

Gene: BRIP1 (BRCA1 interacting DNA helicase 1; minus strand). Cytogenetic location: 17q23.2.
Variant type: single nucleotide variant.
Coding change: c.859G>A on transcript NM_032043.3 (MANE Select); coding-DNA position 859, G replaced by A.
Protein change: p.Glu287Lys; replaces glutamic acid 287 with lysine.
Molecular consequence: missense variant.
Genome position (GRCh38, 1-based): chr17:61,808,526, C>T on the plus strand (G>A on the coding strand, the complement: BRIP1 is on the minus strand). VCF-style: chr17-61808526-C-T. GRCh37 (hg19) VCF-style: chr17-59885887-C-T.
Other names: short protein forms E287K.
Identifiers: ClinVar variation 655324 (VCV000655324.14), dbSNP rs1309409845, ClinGen allele CA400484766.